The following is an entry in ClinVar:

NM_020297.4(ABCC9):c.3388_3389insTTTTTTTTTTTTTTTTTTTTNNNNNNNNNNGAAAACTGGCTAGCCATATGTAGAAAGCTGAAACTGGATCCCTTCCTTACACCTTATACAAAAATCAAATCAATTCAAGATGGGATGATTTCTT (p.Tyr1130delinsPhePhePhePhePhePhePheXaaXaaXaaXaaLysLeuAlaSerHisMetTer)

Gene: ABCC9 (ATP binding cassette subfamily C member 9; minus strand). Cytogenetic location: 12p12.1.
Variant type: Insertion.
Coding change: c.3388_3389insTTTTTTTTTTTTTTTTTTTTNNNNNNNNNNGAAAACTGGCTAGCCATATGTAGAAAGCTGAAACTGGATCCCTTCCTTACACCTTATACAAAAATCAAATCAATTCAAGATGGGATGATTTCTT on transcript NM_020297.4 (MANE Select); coding-DNA positions 3388 to 3389, TTTTTTTTTTTTTTTTTTTTNNNNNNNNNNGAAAACTGGCTAGCCATATGTAGAAAGCTGAAACTGGATCCCTTCCTTACACCTTATACAAAAATCAAATCAATTCAAGATGGGATGATTTCTT inserted.
Protein change: p.Tyr1130delinsPhePhePhePhePhePhePheXaaXaaXaaXaaLysLeuAlaSerHisMetTer.
Molecular consequence: nonsense.
Genome position: GRCh38: chr12:21,842,412-21,842,413. GRCh37 (hg19): chr12:21,995,346-21,995,347.
Other names: c.3388_3389insTTTTTTTTTTTTTTTTTTTTNNNNNNNNNNGAAAACTGGCTAGCCATATGTAGAAAGCTGAAACTGGATCCCTTCCTTACACCTTATACAAAAATCAAATCAATTCAAGATGGGATGATTTCTT, p.Tyr1130delinsPhePhePhePhePhePhePheXaaXaaXaaXaaLysLeuAlaSerHisMetTer (NM_001377273.1, NM_005691.4); c.2521_2522insTTTTTTTTTTTTTTTTTTTTNNNNNNNNNNGAAAACTGGCTAGCCATATGTAGAAAGCTGAAACTGGATCCCTTCCTTACACCTTATACAAAAATCAAATCAATTCAAGATGGGATGATTTCTT, p.Tyr841delinsPhePhePhePhePhePhePheXaaXaaXaaXaaLysLeuAlaSerHisMetTer (NM_001377274.1).
Identifiers: ClinVar variation 2128352 (VCV002128352.4), dbSNP rs2541055791.

ClinVar aggregate classification (germline): Pathogenic (1 of 4 stars; one submission).

Conditions:
Dilated cardiomyopathy 1O (CMD1O). Also called: CARDIOMYOPATHY, DILATED, WITH VENTRICULAR TACHYCARDIA. Identifiers: Orphanet 154, MedGen C1837839, MONDO:0012062, OMIM 608569.

Submission:

Labcorp Genetics (formerly Invitae), Labcorp
Classification: Pathogenic for Dilated cardiomyopathy 1O. Last evaluated: 2024-10-01. Review status: criteria provided, single submitter. Criteria: Invitae Variant Classification Sherloc (09022015). Collection method: clinical testing. Allele origin: germline.
Comment: This sequence change inserts a large fragment of DNA, likely a transposable element, in exon 27 of the ABCC9 gene (c.3388_3389ins?), causing a frameshift at codon 1130 (p.Tyr1130fs). The exact size and sequence of the insertion cannot be determined by the current assay. However, the insertion is expected to result in an absent or disrupted protein product. This variant is not present in population databases (gnomAD no frequency). This variant has not been reported in the literature in individuals affected with ABCC9-related conditions. ClinVar contains an entry for this variant (Variation ID: 2128352). Retrotransposon insertions including LINE1 (L1), Alu, and SVA (SINE-VNTR-Alu) have been reported to be disease-causing through disruption of either a coding region or splice site (PMID: 19763152, 20307669, 22406018) and loss-of-function variants in ABCC9 are known to be pathogenic (PMID: 31575858, 38217872). For these reasons, this variant has been classified as Pathogenic.

Literature cited by the submitters: PubMed 19763152; PubMed 20307669; PubMed 22406018; PubMed 31575858; PubMed 38217872.